The following is an entry in ClinVar:

NM_004304.5(ALK):c.1928A>C (p.Lys643Thr)

Gene: ALK (ALK receptor tyrosine kinase; minus strand). Cytogenetic location: 2p23.2.
Variant type: single nucleotide variant.
Coding change: c.1928A>C on transcript NM_004304.5 (MANE Select); coding-DNA position 1928, A replaced by C.
Protein change: p.Lys643Thr; replaces lysine 643 with threonine.
Molecular consequence: missense variant.
Genome position (GRCh38, 1-based): chr2:29,275,212, T>G on the plus strand (A>C on the coding strand, the complement: ALK is on the minus strand). VCF-style: chr2-29275212-T-G. GRCh37 (hg19) VCF-style: chr2-29498078-T-G.
Other names: c.1928A>C (NM_004304.4); short protein forms K643T.
Identifiers: ClinVar variation 2151606 (VCV002151606.5), dbSNP rs2465331540, ClinGen allele CA346479799.

ClinVar aggregate classification (germline): Uncertain significance. Review status: criteria provided, multiple submitters, no conflicts (2 of 4 stars). 2 submissions from 2 submitters: Uncertain significance (2). Last evaluated 2025-05-07.

Conditions:
Hereditary cancer-predisposing syndrome. Also called: Neoplastic Syndromes, Hereditary; Hereditary neoplastic syndrome; Hereditary Cancer Syndrome; Tumor predisposition. Identifiers: Orphanet 140162, MedGen C0027672, MeSH D009386, MONDO:0015356.
Neuroblastoma, susceptibility to, 3. Also called: ALK-Related Neuroblastic Tumor Susceptibility. Identifiers: Orphanet 635, MedGen C2751681, MONDO:0013083, OMIM 613014.

Submissions (2):

Labcorp Genetics (formerly Invitae), Labcorp
Classification: Uncertain significance for Neuroblastoma, susceptibility to, 3. Last evaluated: 2025-05-07. Review status: criteria provided, single submitter. Criteria: Invitae Variant Classification Sherloc (09022015). Collection method: clinical testing. Allele origin: germline.
Comment: This sequence change replaces lysine, which is basic and polar, with threonine, which is neutral and polar, at codon 643 of the ALK protein (p.Lys643Thr). This variant is not present in population databases (gnomAD no frequency). This variant has not been reported in the literature in individuals affected with ALK-related conditions. ClinVar contains an entry for this variant (Variation ID: 2151606). An algorithm developed to predict the effect of missense changes on protein structure and function outputs the following: PolyPhen-2: "Benign". The threonine amino acid residue is found in multiple mammalian species, which suggests that this missense change does not adversely affect protein function. In summary, the available evidence is currently insufficient to determine the role of this variant in disease. Therefore, it has been classified as a Variant of Uncertain Significance.

Ambry Genetics
Classification: Uncertain significance for Hereditary cancer-predisposing syndrome. Last evaluated: 2024-07-14. Review status: criteria provided, single submitter. Criteria: Ambry Variant Classification Scheme 2023. Collection method: clinical testing. Allele origin: germline.
Comment: The p.K643T variant (also known as c.1928A>C), located in coding exon 11 of the ALK gene, results from an A to C substitution at nucleotide position 1928. The lysine at codon 643 is replaced by threonine, an amino acid with similar properties. This amino acid position is conserved. In addition, this alteration is predicted to be tolerated by in silico analysis. Based on the available evidence, the clinical significance of this variant remains unclear.